The following is an entry in ClinVar:

ClinVar aggregate classification (germline): Uncertain significance. Review status: criteria provided, multiple submitters, no conflicts (2 of 4 stars). 3 submissions from 3 submitters: Uncertain significance (3). Last evaluated 2023-04-11.

Conditions:
Developmental and epileptic encephalopathy, 23 (DEE23). Also called: Epileptic encephalopathy, early infantile, 23. Identifiers: Orphanet 411986, MedGen C4014492, MONDO:0014371, OMIM 615859.
Inborn genetic diseases. Identifiers: MedGen C0950123, MeSH D030342.

Allele frequency attached by ClinVar (database versions not stated): gnomAD exomes 0.00002 and 0.00003; gnomAD 0.00003 and 0.00004; TOPMed 0.00004; ExAC 0.00005; 1000 Genomes Project 30x 0.00016; 1000 Genomes Project 0.00020.
gnomAD v4.1: 43 of 1,613,394 alleles (0.0027%); highest among the groups gnomAD compares: Admixed American, 0.0033%; no homozygotes.

Submissions (3):

Genome-Nilou Lab
Classification: Uncertain significance for Developmental and epileptic encephalopathy, 23. Last evaluated: 2023-04-11. Review status: criteria provided, single submitter. Criteria: ACMG Guidelines, 2015. Collection method: clinical testing. Allele origin: germline. Affected: no.

Labcorp Genetics (formerly Invitae), Labcorp
Classification: Uncertain significance for Developmental and epileptic encephalopathy, 23. Last evaluated: 2022-06-23. Review status: criteria provided, single submitter. Criteria: Invitae Variant Classification Sherloc (09022015). Collection method: clinical testing. Allele origin: germline.
Comment: This sequence change replaces arginine, which is basic and polar, with glutamine, which is neutral and polar, at codon 1692 of the DOCK7 protein (p.Arg1692Gln). This variant is present in population databases (rs191312236, gnomAD 0.01%). This variant has not been reported in the literature in individuals affected with DOCK7-related conditions. ClinVar contains an entry for this variant (Variation ID: 576669). Algorithms developed to predict the effect of missense changes on protein structure and function are either unavailable or do not agree on the potential impact of this missense change (SIFT: "Tolerated"; PolyPhen-2: "Possibly Damaging"; Align-GVGD: "Class C0"). In summary, the available evidence is currently insufficient to determine the role of this variant in disease. Therefore, it has been classified as a Variant of Uncertain Significance.

Ambry Genetics
Classification: Uncertain significance for Inborn genetic diseases. Last evaluated: 2021-08-10. Review status: criteria provided, single submitter. Criteria: Ambry Variant Classification Scheme 2023. Collection method: clinical testing. Allele origin: germline.

NM_001367561.1(DOCK7):c.5102G>A (p.Arg1701Gln)

Gene: DOCK7 (dedicator of cytokinesis 7; minus strand). Cytogenetic location: 1p31.3.
Variant type: single nucleotide variant.
Coding change: c.5102G>A on transcript NM_001367561.1 (MANE Select); coding-DNA position 5102, G replaced by A.
Protein change: p.Arg1701Gln; replaces arginine 1701 with glutamine.
Molecular consequence: missense variant.
Genome position (GRCh38, 1-based): chr1:62,494,390, C>T on the plus strand (G>A on the coding strand, the complement: DOCK7 is on the minus strand). VCF-style: chr1-62494390-C-T. GRCh37 (hg19) VCF-style: chr1-62960061-C-T.
Other names: c.5075G>A, p.Arg1692Gln (NM_001271999.2, NM_001330614.2); c.4982G>A, p.Arg1661Gln (NM_001272000.2, NM_001272001.2); c.5009G>A, p.Arg1670Gln (NM_033407.4); c.5009G>A (NM_033407.2); short protein forms R1670Q, R1692Q, R1701Q, R1661Q.
Identifiers: ClinVar variation 576669 (VCV000576669.8), dbSNP rs191312236, ClinGen allele CA885542.